The following is an entry in ClinVar:

NM_017934.7(PHIP):c.2359A>C (p.Lys787Gln)

Gene: PHIP (pleckstrin homology domain interacting protein; minus strand). Cytogenetic location: 6q14.1.
Variant type: single nucleotide variant.
Coding change: c.2359A>C on transcript NM_017934.7 (MANE Select); coding-DNA position 2359, A replaced by C.
Protein change: p.Lys787Gln; replaces lysine 787 with glutamine.
Molecular consequence: missense variant.
Genome position (GRCh38, 1-based): chr6:78,988,310, T>G on the plus strand (A>C on the coding strand, the complement: PHIP is on the minus strand). VCF-style: chr6-78988310-T-G. GRCh37 (hg19) VCF-style: chr6-79698027-T-G.
Other names: short protein forms K787Q.
Identifiers: ClinVar variation 1683986 (VCV001683986.2), dbSNP rs2127721837, ClinGen allele CA364650819.

ClinVar aggregate classification (germline): Uncertain significance (1 of 4 stars; one submission).

Submission:

GeneDx
Classification: Uncertain significance. Last evaluated: 2022-05-09. Review status: criteria provided, single submitter. Criteria: GeneDx Variant Classification Process June 2021. Collection method: clinical testing. Allele origin: germline. Affected: yes.
Comment: Not observed at significant frequency in large population cohorts (gnomAD); In silico analysis supports that this missense variant does not alter protein structure/function; Has not been previously published as pathogenic or benign to our knowledge